The following is an entry in ClinVar:

NM_006904.7(PRKDC):c.2481T>G (p.Asn827Lys)

Gene: PRKDC (protein kinase, DNA-activated, catalytic subunit; minus strand). Cytogenetic location: 8q11.21.
Variant type: single nucleotide variant.
Coding change: c.2481T>G on transcript NM_006904.7 (MANE Select); coding-DNA position 2481, T replaced by G.
Protein change: p.Asn827Lys; replaces asparagine 827 with lysine.
Molecular consequence: missense variant.
Genome position (GRCh38, 1-based): chr8:47,918,322, A>C on the plus strand (T>G on the coding strand, the complement: PRKDC is on the minus strand). VCF-style: chr8-47918322-A-C. GRCh37 (hg19) VCF-style: chr8-48830882-A-C.
Other names: c.2481T>G, p.Asn827Lys (NM_001081640.2); short protein forms N827K.
Identifiers: ClinVar variation 3225796 (VCV003225796.1), dbSNP rs1293368850, ClinGen allele CA371160410.
Genomic context (GRCh38, chr8:47,918,322, plus strand): 5'-CAAAGGACTTCTTACTGATGAAAGGTTCTTTGTCTTCTTCAGATGCTTTAACACCACTTT[A>C]TTAAATCCTTTCTGGGCAGCCCGAGAAAGAGCTGACACTTCCCAGTTATTCTTGGTCTCA-3'
Protein context (NP_008835.5, residues 817-837): ALSRAAQKGF[Asn827Lys]KVVLKHLKKT

ClinVar aggregate classification (germline): Uncertain significance (1 of 4 stars; one submission).

Allele frequency attached by ClinVar (database versions not stated): gnomAD exomes below 0.00001; TOPMed below 0.00001.
gnomAD v4.1: 2 of 1,596,660 alleles (0.00013%); highest among the groups gnomAD compares: Admixed American, 0.0034%; no homozygotes.

Submission:

Ambry Genetics
Classification: Uncertain significance. Last evaluated: 2023-09-15. Review status: criteria provided, single submitter. Criteria: Ambry Variant Classification Scheme 2023. Collection method: clinical testing. Allele origin: germline.
Comment: The p.N827K variant (also known as c.2481T>G), located in coding exon 22 of the PRKDC gene, results from a T to G substitution at nucleotide position 2481. The asparagine at codon 827 is replaced by lysine, an amino acid with similar properties. This amino acid position is conserved. In addition, this alteration is predicted to be tolerated by in silico analysis. Since supporting evidence is limited at this time, the clinical significance of this alteration remains unclear.